The following is an entry in ClinVar:

ClinVar aggregate classification (germline): Uncertain significance. Review status: criteria provided, multiple submitters, no conflicts (2 of 4 stars). 2 submissions from 2 submitters: Uncertain significance (2). Last evaluated 2025-01-10.

Allele frequency attached by ClinVar (database versions not stated): gnomAD exomes 0.00001.
gnomAD v4.1: 8 of 1,612,428 alleles (0.0005%); highest among the groups gnomAD compares: Non-Finnish European, 0.00068%; no homozygotes.

Submissions (2):

Labcorp Genetics (formerly Invitae), Labcorp
Classification: Uncertain significance. Last evaluated: 2025-01-10. Review status: criteria provided, single submitter. Criteria: Invitae Variant Classification Sherloc (09022015). Collection method: clinical testing. Allele origin: germline.
Comment: This sequence change replaces glutamic acid, which is acidic and polar, with glutamine, which is neutral and polar, at codon 442 of the RINT1 protein (p.Glu442Gln). This variant is not present in population databases (gnomAD no frequency). This variant has not been reported in the literature in individuals affected with RINT1-related conditions. ClinVar contains an entry for this variant (Variation ID: 1025160). An algorithm developed to predict the effect of missense changes on protein structure and function (PolyPhen-2) suggests that this variant is likely to be disruptive. In summary, the available evidence is currently insufficient to determine the role of this variant in disease. Therefore, it has been classified as a Variant of Uncertain Significance.

Ambry Genetics
Classification: Uncertain significance. Last evaluated: 2024-06-24. Review status: criteria provided, single submitter. Criteria: Ambry Variant Classification Scheme 2023. Collection method: clinical testing. Allele origin: germline.
Comment: The p.E442Q variant (also known as c.1324G>C), located in coding exon 9 of the RINT1 gene, results from a G to C substitution at nucleotide position 1324. The glutamic acid at codon 442 is replaced by glutamine, an amino acid with highly similar properties. This amino acid position is conserved. In addition, this alteration is predicted to be deleterious by in silico analysis. Since supporting evidence is limited at this time, the clinical significance of this alteration remains unclear.

NM_021930.6(RINT1):c.1324G>C (p.Glu442Gln)

Gene: RINT1 (RAD50 interactor 1; plus strand). Cytogenetic location: 7q22.3.
Variant type: single nucleotide variant.
Coding change: c.1324G>C on transcript NM_021930.6 (MANE Select); coding-DNA position 1324, G replaced by C.
Protein change: p.Glu442Gln; replaces glutamic acid 442 with glutamine.
Molecular consequence: missense variant. On other transcripts: non-coding transcript variant (1).
Genome position (GRCh38, 1-based): chr7:105,550,477, G>C. VCF-style: chr7-105550477-G-C. GRCh37 (hg19) VCF-style: chr7-105190924-G-C.
Other names: c.1090G>C, p.Glu364Gln (NM_001346599.2); c.301G>C, p.Glu101Gln (NM_001346600.2, NM_001346603.2); c.400G>C, p.Glu134Gln (NM_001346601.2); short protein forms E101Q, E134Q, E364Q, E442Q.
Identifiers: ClinVar variation 1025160 (VCV001025160.12), dbSNP rs1790883102, ClinGen allele CA368809450.